The following is an entry in ClinVar:

ClinVar aggregate classification (germline): Uncertain significance (1 of 4 stars; one submission).

Conditions:
Cardiovascular phenotype. Identifiers: MedGen CN230736.

Submission:

Ambry Genetics
Classification: Uncertain significance for Cardiovascular phenotype. Last evaluated: 2021-09-09. Review status: criteria provided, single submitter. Criteria: Ambry Variant Classification Scheme 2023. Collection method: clinical testing. Allele origin: germline.
Comment: The p.E9V variant (also known as c.26A>T), located in coding exon 1 of the SOS1 gene, results from an A to T substitution at nucleotide position 26. The glutamic acid at codon 9 is replaced by valine, an amino acid with dissimilar properties. This amino acid position is conserved. In addition, the in silico prediction for this alteration is inconclusive. Since supporting evidence is limited at this time, the clinical significance of this alteration remains unclear.

NM_005633.4(SOS1):c.26A>T (p.Glu9Val)

Genes: SOS1 (SOS Ras/Rac guanine nucleotide exchange factor 1; minus strand), LOC129933535 (ATAC-STARR-seq lymphoblastoid silent region 11384; plus strand). Cytogenetic location: 2p22.1.
Variant type: single nucleotide variant.
Coding change: c.26A>T on transcript NM_005633.4 (MANE Select); coding-DNA position 26, A replaced by T.
Protein change: p.Glu9Val; replaces glutamic acid 9 with valine.
Molecular consequence: missense variant. On other transcripts: intron variant (1).
Genome position (GRCh38, 1-based): chr2:39,120,397, T>A on the plus strand (A>T on the coding strand, the complement: SOS1 is on the minus strand). VCF-style: chr2-39120397-T-A. GRCh37 (hg19) VCF-style: chr2-39347538-T-A.
Other names: c.26A>T, p.Glu9Val (NM_001382395.1); c.66+4267A>T (NM_001382394.1); short protein forms E9V.
Identifiers: ClinVar variation 1794893 (VCV001794893.2), dbSNP rs2465606490, ClinGen allele CA346374762.